The following is an entry in ClinVar:

NM_002880.4(RAF1):c.949G>A (p.Glu317Lys)

Gene: RAF1 (Raf-1 proto-oncogene, serine/threonine kinase; minus strand). Cytogenetic location: 3p25.2.
Variant type: single nucleotide variant.
Coding change: c.949G>A on transcript NM_002880.4 (MANE Select); coding-DNA position 949, G replaced by A.
Protein change: p.Glu317Lys; replaces glutamic acid 317 with lysine.
Molecular consequence: missense variant. On other transcripts: non-coding transcript variant (3).
Genome position (GRCh38, 1-based): chr3:12,600,193, C>T on the plus strand (G>A on the coding strand, the complement: RAF1 is on the minus strand). VCF-style: chr3-12600193-C-T. GRCh37 (hg19) VCF-style: chr3-12641692-C-T.
Other names: c.1009G>A, p.Glu337Lys (NM_001354689.3); c.949G>A, p.Glu317Lys (NM_001354690.3); c.706G>A, p.Glu236Lys (NM_001354691.3, NM_001354692.3); c.850G>A, p.Glu284Lys (NM_001354693.3); c.766G>A, p.Glu256Lys (NM_001354694.3); c.607G>A, p.Glu203Lys (NM_001354695.3); short protein forms E284K, E256K, E203K, E337K, E236K, E317K.
Identifiers: ClinVar variation 3635602 (VCV003635602.2).
Genomic context (GRCh38, chr3:12,600,193, plus strand): 5'-TACTGTTGTCTATACTCACAATTTTGTTTTTCTCCTGGGTCCCAGATACTGGTGCCCGCT[C>T]TCTTTGTGCTGGCACGGGGGTTTTCGGCTGTGACCAGCCTGTTGGGCTCAGATTGTTGGG-3'
Protein context (NP_002871.1, residues 307-327): QPKTPVPAQR[Glu317Lys]RAPVSGTQEK

ClinVar aggregate classification (germline): Uncertain significance (1 of 4 stars; one submission).

Conditions:
RASopathy. Also called: Noonan spectrum disorder; rasopathies. Identifiers: Orphanet 536391, MedGen C5555857, MONDO:0021060.

gnomAD v4.1: 1 of 1,614,216 alleles (0.000062%); highest among the groups gnomAD compares: Non-Finnish European, 0.000085%; no homozygotes.

Submission:

Labcorp Genetics (formerly Invitae), Labcorp
Classification: Uncertain significance for RASopathy. Last evaluated: 2025-01-12. Review status: criteria provided, single submitter. Criteria: Invitae Variant Classification Sherloc (09022015). Collection method: clinical testing. Allele origin: germline.
Comment: This sequence change replaces glutamic acid, which is acidic and polar, with lysine, which is basic and polar, at codon 317 of the RAF1 protein (p.Glu317Lys). This variant is not present in population databases (gnomAD no frequency). This variant has not been reported in the literature in individuals affected with RAF1-related conditions. Invitae Evidence Modeling of protein sequence and biophysical properties (such as structural, functional, and spatial information, amino acid conservation, physicochemical variation, residue mobility, and thermodynamic stability) has been performed for this missense variant. However, the output from this modeling did not meet the statistical confidence thresholds required to predict the impact of this variant on RAF1 protein function. In summary, the available evidence is currently insufficient to determine the role of this variant in disease. Therefore, it has been classified as a Variant of Uncertain Significance.